The following is an entry in ClinVar:

NM_012188.5(FOXI1):c.1088G>T (p.Ser363Ile)

Gene: FOXI1 (forkhead box I1; plus strand). Cytogenetic location: 5q35.1.
Variant type: single nucleotide variant.
Coding change: c.1088G>T on transcript NM_012188.5 (MANE Select); coding-DNA position 1088, G replaced by T.
Protein change: p.Ser363Ile; replaces serine 363 with isoleucine.
Molecular consequence: missense variant.
Genome position (GRCh38, 1-based): chr5:170,108,562, G>T. VCF-style: chr5-170108562-G-T. GRCh37 (hg19) VCF-style: chr5-169535566-G-T.
Other names: c.803G>T, p.Ser268Ile (NM_144769.4); short protein forms S363I, S268I.
Identifiers: ClinVar variation 352712 (VCV000352712.12), dbSNP rs150705492, ClinGen allele CA3555166.

ClinVar aggregate classification (germline): Uncertain significance. Review status: criteria provided, multiple submitters, no conflicts (2 of 4 stars). 4 submissions from 4 submitters: Uncertain significance (4). Last evaluated 2026-05-12.

Conditions:
FOXI1-related disorder. Also called: FOXI1-related condition.
Autosomal recessive nonsyndromic hearing loss 4 (DFNB4). Also called: DEAFNESS, AUTOSOMAL RECESSIVE 4, WITH ENLARGED VESTIBULAR AQUEDUCT, DIGENIC; FOXI1-Related Pendred Syndrome; KCNJ10-Related Pendred Syndrome; Nonsyndromic enlarged vestibular aqueduct (NSEVA); Deafness, autosomal recessive 4, with enlarged vestibular aqueduct; NEUROSENSORY NONSYNDROMIC RECESSIVE DEAFNESS 4. Identifiers: Orphanet 90636, MedGen C3538946, MONDO:0010933, OMIM 600791.

Allele frequency attached by ClinVar (database versions not stated): gnomAD exomes 0.00019; ExAC 0.00021; TOPMed 0.00024; gnomAD 0.00031; ESP Exome Variant Server 0.00077.
gnomAD v4.1: 768 of 1,613,610 alleles (0.048%); highest among the groups gnomAD compares: Non-Finnish European, 0.059%; no homozygotes.

Submissions (4):

PreventionGenetics, part of Exact Sciences
Classification: Uncertain significance for FOXI1-related condition. Last evaluated: 2026-05-12. Review status: criteria provided, single submitter. Criteria: ACMG Guidelines, 2015. Collection method: clinical testing. Allele origin: germline.
Comment: The FOXI1 c.1088G>T variant is predicted to result in the amino acid substitution p.Ser363Ile. To our knowledge, this variant has not been reported in the literature. This variant is reported in 0.039% of alleles in individuals of European (Non-Finnish) descent in gnomAD. At this time, the clinical significance of this variant is uncertain due to the absence of conclusive functional and genetic evidence.

Fulgent Genetics
Classification: Uncertain significance for Autosomal recessive nonsyndromic hearing loss 4. Last evaluated: 2024-01-26. Review status: criteria provided, single submitter. Criteria: ACMG Guidelines, 2015. Collection method: clinical testing. Allele origin: germline.

Labcorp Genetics (formerly Invitae), Labcorp
Classification: Uncertain significance. Last evaluated: 2022-06-27. Review status: criteria provided, single submitter. Criteria: Invitae Variant Classification Sherloc (09022015). Collection method: clinical testing. Allele origin: germline.
Comment: This sequence change replaces serine, which is neutral and polar, with isoleucine, which is neutral and non-polar, at codon 363 of the FOXI1 protein (p.Ser363Ile). This variant is present in population databases (rs150705492, gnomAD 0.04%). This variant has not been reported in the literature in individuals affected with FOXI1-related conditions. ClinVar contains an entry for this variant (Variation ID: 352712). Algorithms developed to predict the effect of missense changes on protein structure and function are either unavailable or do not agree on the potential impact of this missense change (SIFT: "Deleterious"; PolyPhen-2: "Possibly Damaging"; Align-GVGD: "Class C15"). In summary, the available evidence is currently insufficient to determine the role of this variant in disease. Therefore, it has been classified as a Variant of Uncertain Significance.

Illumina Laboratory Services, Illumina
Classification: Uncertain significance for Autosomal recessive nonsyndromic hearing loss 4. Last evaluated: 2018-01-13. Review status: criteria provided, single submitter. Criteria: ICSL Variant Classification Criteria 13 December 2019. Collection method: clinical testing. Allele origin: germline.